The following is an entry in ClinVar:

NM_002691.4(POLD1):c.1831A>T (p.Met611Leu)

Gene: POLD1 (DNA polymerase delta 1, catalytic subunit; plus strand). Cytogenetic location: 19q13.33.
Variant type: single nucleotide variant.
Coding change: c.1831A>T on transcript NM_002691.4 (MANE Select); coding-DNA position 1831, A replaced by T.
Protein change: p.Met611Leu; replaces methionine 611 with leucine.
Molecular consequence: missense variant. On other transcripts: non-coding transcript variant (1).
Genome position (GRCh38, 1-based): chr19:50,408,840, A>T. VCF-style: chr19-50408840-A-T. GRCh37 (hg19) VCF-style: chr19-50912097-A-T.
Other names: c.1831A>T, p.Met611Leu (NM_001256849.1); c.1909A>T, p.Met637Leu (NM_001308632.1); short protein forms M611L, M637L.
Identifiers: ClinVar variation 1780963 (VCV001780963.4), dbSNP rs1275102026, ClinGen allele CA406982042.

ClinVar aggregate classification (germline): Uncertain significance. Review status: criteria provided, multiple submitters, no conflicts (2 of 4 stars). 2 submissions from 2 submitters: Uncertain significance (2). Last evaluated 2025-07-29.

Conditions:
Hereditary cancer-predisposing syndrome. Also called: Neoplastic Syndromes, Hereditary; Tumor predisposition; Hereditary neoplastic syndrome; Hereditary Cancer Syndrome. Identifiers: Orphanet 140162, MedGen C0027672, MeSH D009386, MONDO:0015356.
POLD1-related polyposis and colorectal cancer syndrome (CRCS10). Also called: COLORECTAL CANCER, SUSCEPTIBILITY TO, ON CHROMOSOME 19q; Colorectal cancer 10; Colorectal cancer, susceptibility to, 10. Identifiers: Orphanet 220460, MedGen C2675481, MONDO:0012953, OMIM 612591.

Allele frequency attached by ClinVar (database versions not stated): gnomAD exomes below 0.00001.
gnomAD v4.1: 1 of 1,614,064 alleles (0.000062%); highest among the groups gnomAD compares: Non-Finnish European, 0.000085%; no homozygotes.

Submissions (2):

Ambry Genetics
Classification: Uncertain significance for Hereditary cancer-predisposing syndrome. Last evaluated: 2025-07-29. Review status: criteria provided, single submitter. Criteria: Ambry Variant Classification Scheme 2023. Collection method: clinical testing. Allele origin: germline.
Comment: The p.M611L variant (also known as c.1831A>T), located in coding exon 14 of the POLD1 gene, results from an A to T substitution at nucleotide position 1831. The methionine at codon 611 is replaced by leucine, an amino acid with highly similar properties. This amino acid position is highly conserved in available vertebrate species. In addition, the in silico prediction for this alteration is inconclusive. Based on the available evidence, the clinical significance of this variant remains unclear.

Labcorp Genetics (formerly Invitae), Labcorp
Classification: Uncertain significance for POLD1-related polyposis and colorectal cancer syndrome. Last evaluated: 2025-07-16. Review status: criteria provided, single submitter. Criteria: Invitae Variant Classification Sherloc (09022015). Collection method: clinical testing. Allele origin: germline.
Comment: This sequence change replaces methionine, which is neutral and non-polar, with leucine, which is neutral and non-polar, at codon 611 of the POLD1 protein (p.Met611Leu). This variant is present in population databases (no rsID available, gnomAD 0.0009%). This variant has not been reported in the literature in individuals affected with POLD1-related conditions. ClinVar contains an entry for this variant (Variation ID: 1780963). Invitae Evidence Modeling of protein sequence and biophysical properties (such as structural, functional, and spatial information, amino acid conservation, physicochemical variation, residue mobility, and thermodynamic stability) indicates that this missense variant is expected to disrupt POLD1 protein function with a positive predictive value of 80%. In summary, the available evidence is currently insufficient to determine the role of this variant in disease. Therefore, it has been classified as a Variant of Uncertain Significance.